The following is an entry in ClinVar:

ClinVar aggregate classification (germline): Pathogenic. Review status: criteria provided, multiple submitters, no conflicts (2 of 4 stars). 6 submissions from 4 submitters: Pathogenic (5). 1 of the submissions does not count toward it. Last evaluated 2023-04-11.

Conditions:
Leber congenital amaurosis 1 (LCA1). Also called: Congenital absence of the rods and cones; Leber's congenital tapetoretinal degeneration; Leber's congenital tapetoretinal dysplasia; AMAUROSIS CONGENITA OF LEBER I; RETINAL BLINDNESS, CONGENITAL. Identifiers: Orphanet 65, MedGen C2931258, MONDO:0008764, OMIM 204000.
Pigmented paravenous retinochoroidal atrophy. Identifiers: Orphanet 251295, MedGen C1868310, MONDO:0008246, OMIM 172870.
Leber congenital amaurosis 8 (LCA8). Identifiers: Orphanet 65, MedGen C3151202, MONDO:0013453, OMIM 613835.
Retinitis pigmentosa 12 (RP12). Also called: RP WITH OR WITHOUT PRESERVED PARAARTERIOLE RETINAL PIGMENT EPITHELIUM; RETINITIS PIGMENTOSA WITH OR WITHOUT PARAARTERIOLAR PRESERVATION OF RETINAL PIGMENT EPITHELIUM; RP WITH OR WITHOUT PPRPE. Identifiers: Orphanet 791, MedGen C1838647, MONDO:0010818, OMIM 600105.

Submissions (6):

Genome-Nilou Lab
Classification: Pathogenic for Leber congenital amaurosis 8. Last evaluated: 2023-04-11. Review status: criteria provided, single submitter. Criteria: ACMG Guidelines, 2015. Collection method: clinical testing. Allele origin: germline. Affected: no.

Genome-Nilou Lab
Classification: Pathogenic for Pigmented paravenous retinochoroidal atrophy. Last evaluated: 2023-04-11. Review status: criteria provided, single submitter. Criteria: ACMG Guidelines, 2015. Collection method: clinical testing. Allele origin: germline. Affected: no.

Genome-Nilou Lab
Classification: Pathogenic for Retinitis pigmentosa 12. Last evaluated: 2023-04-11. Review status: criteria provided, single submitter. Criteria: ACMG Guidelines, 2015. Collection method: clinical testing. Allele origin: germline. Affected: no.

Labcorp Genetics (formerly Invitae), Labcorp
Classification: Pathogenic for Leber congenital amaurosis 8; Retinitis pigmentosa 12. Last evaluated: 2021-08-10. Review status: criteria provided, single submitter. Criteria: Invitae Variant Classification Sherloc (09022015). Collection method: clinical testing. Allele origin: germline.
Comment: This sequence change creates a premature translational stop signal (p.Cys1154*) in the CRB1 gene. It is expected to result in an absent or disrupted protein product. Loss-of-function variants in CRB1 are known to be pathogenic (PMID: 10508521, 22065545, 23379534, 25412400, 26957898, 28041643, 29391521). This variant is not present in population databases (ExAC no frequency). This premature translational stop signal has been observed in individual(s) with Leber congenital amaurosis (PMID: 28819299). ClinVar contains an entry for this variant (Variation ID: 801600). For these reasons, this variant has been classified as Pathogenic.

Mendelics
Classification: Pathogenic for Leber congenital amaurosis 1. Last evaluated: 2019-05-28. Review status: criteria provided, single submitter. Criteria: Mendelics Assertion Criteria 2017. Collection method: clinical testing. Allele origin: unknown.

Laboratory of Genetics in Ophthalmology, Institut Imagine
Classification: Pathogenic for Leber congenital amaurosis 8. Review status: no assertion criteria provided. Collection method: research. Allele origin: inherited. Affected: yes. Observed: 1 variant allele. Not counted in ClinVar's aggregate classification.

Literature cited by the submitters: PubMed 10508521 (cited by Labcorp Genetics (formerly Invitae), Labcorp); PubMed 22065545 (cited by Labcorp Genetics (formerly Invitae), Labcorp); PubMed 23379534 (cited by Labcorp Genetics (formerly Invitae), Labcorp); PubMed 25412400 (cited by Labcorp Genetics (formerly Invitae), Labcorp); PubMed 26957898 (cited by Labcorp Genetics (formerly Invitae), Labcorp); PubMed 28041643 (cited by Labcorp Genetics (formerly Invitae), Labcorp); PubMed 29391521 (cited by Labcorp Genetics (formerly Invitae), Labcorp); PubMed 28819299 (cited by Labcorp Genetics (formerly Invitae), Labcorp and Laboratory of Genetics in Ophthalmology, Institut Imagine).

NM_201253.3(CRB1):c.3462_3463del (p.Cys1154_Glu1155delinsTer)

Gene: CRB1 (crumbs cell polarity complex component 1; plus strand). Cytogenetic location: 1q31.3.
Variant type: Microsatellite.
Coding change: c.3462_3463del on transcript NM_201253.3 (MANE Select); coding-DNA positions 3462 to 3463, 2 bases deleted (TG; older notation c.3462_3463delTG).
Protein change: p.Cys1154_Glu1155delinsTer.
Molecular consequence: nonsense. On other transcripts: non-coding transcript variant (2), intron variant (1).
Genome position (GRCh38, 1-based): chr1:197,435,325-197,435,326, TG deleted; deleting any 2 consecutive bases within chr1:197,435,323-197,435,326 gives the same sequence; the c. name uses the placement nearest the transcript's 3' end. VCF-style (leftmost placement, unchanged base first): chr1-197435322-CTG-C. GRCh37 (hg19) VCF-style: chr1-197404452-CTG-C.
Other names: c.3126_3127del, p.Cys1042_Glu1043delinsTer (NM_001193640.2); c.3390_3391del, p.Cys1130_Glu1131delinsTer (NM_001257965.2); c.2129-275_2129-274del (NM_001257966.2).
Identifiers: ClinVar variation 801600 (VCV000801600.8), dbSNP rs1571557864, ClinGen allele CA915941979.
Genomic context (GRCh38, chr1:197,435,322, plus strand): 5'-GGTCACTGGCTGTTTGCAGTTAAATGTCTGCAACTCCAACCCCTGTTTGCATGGAGGAAA[CTG>C]TGAAGACATCTATAGCTCTTATCATTGCTCCTGTCCCTTGGGATGGTCAGGGAAACACTG-3'